The following is an entry in ClinVar:

ClinVar aggregate classification (germline): Uncertain significance (1 of 4 stars; one submission).

Conditions:
Autoimmune lymphoproliferative syndrome type 2A (ALPS2A). Also called: CASP10-Related Autoimmune Lymphoproliferative Syndrome; AUTOIMMUNE LYMPHOPROLIFERATIVE SYNDROME, TYPE IIA; Autoimmune lymphoproliferative syndrome type 2. Identifiers: Orphanet 3261, MedGen C1858968, MONDO:0011383, OMIM 603909.

Submission:

Labcorp Genetics (formerly Invitae), Labcorp
Classification: Uncertain significance for Autoimmune lymphoproliferative syndrome type 2A. Last evaluated: 2023-02-27. Review status: criteria provided, single submitter. Criteria: Invitae Variant Classification Sherloc (09022015). Collection method: clinical testing. Allele origin: germline.
Comment: In summary, the available evidence is currently insufficient to determine the role of this variant in disease. Therefore, it has been classified as a Variant of Uncertain Significance. Algorithms developed to predict the effect of missense changes on protein structure and function output the following: SIFT: "Not Available"; PolyPhen-2: "Benign"; Align-GVGD: "Not Available". The cysteine amino acid residue is found in multiple mammalian species, which suggests that this missense change does not adversely affect protein function. This variant has not been reported in the literature in individuals affected with CASP10-related conditions. This variant is not present in population databases (gnomAD no frequency). This sequence change replaces serine, which is neutral and polar, with cysteine, which is neutral and slightly polar, at codon 216 of the CASP10 protein (p.Ser216Cys).

NM_032977.4(CASP10):c.647C>G (p.Ser216Cys)

Gene: CASP10 (caspase 10; plus strand). Cytogenetic location: 2q33.1.
Variant type: single nucleotide variant.
Coding change: c.647C>G on transcript NM_032977.4 (MANE Select); coding-DNA position 647, C replaced by G.
Protein change: p.Ser216Cys; replaces serine 216 with cysteine.
Molecular consequence: missense variant.
Genome position (GRCh38, 1-based): chr2:201,195,911, C>G. VCF-style: chr2-201195911-C-G. GRCh37 (hg19) VCF-style: chr2-202060634-C-G.
Other names: c.647C>G, p.Ser216Cys (NM_001206524.2, NM_001206542.2, NM_001230.5 and 3 more transcripts); short protein forms S216C.
Identifiers: ClinVar variation 2944375 (VCV002944375.3), dbSNP rs769898861, ClinGen allele CA350279738.